The following is an entry in ClinVar:

ClinVar aggregate classification (germline): Uncertain significance. Review status: criteria provided, multiple submitters, no conflicts (2 of 4 stars). 4 submissions from 3 submitters: Uncertain significance (4). Last evaluated 2025-12-11.

Conditions:
Cranium bifidum occultum. Also called: Enlarged Parietal Foramina; CATLIN MARKS; CRANIUM BIFIDUM, HEREDITARY. Identifiers: MedGen C1868598, HP:0004423.
Inborn genetic diseases. Identifiers: MedGen C0950123, MeSH D030342.
Craniosynostosis 2 (CRS2). Also called: Warman-Mulliken-Hayward syndrome; Craniosynostosis Warman type; Craniosynostosis Boston type. Identifiers: Orphanet 1541, MedGen C1858160, MONDO:0011481, OMIM 604757.
Parietal foramina 1 (PFM1). Also called: FORAMINA PARIETALIA PERMAGNA; PARIETAL FORAMINA, SYMMETRIC. Identifiers: Orphanet 60015, MedGen C1868599, MONDO:0008197, OMIM 168500.

Allele frequency attached by ClinVar (database versions not stated): ExAC 0.00001; gnomAD 0.00001; gnomAD exomes 0.00001.
gnomAD v4.1: 13 of 1,614,070 alleles (0.00081%); highest among the groups gnomAD compares: Non-Finnish European, 0.0011%; no homozygotes.

Submissions (4):

Labcorp Genetics (formerly Invitae), Labcorp
Classification: Uncertain significance for Cranium bifidum occultum. Last evaluated: 2025-12-11. Review status: criteria provided, single submitter. Criteria: Invitae Variant Classification Sherloc (09022015). Collection method: clinical testing. Allele origin: germline.
Comment: This sequence change replaces alanine, which is neutral and non-polar, with glycine, which is neutral and non-polar, at codon 212 of the MSX2 protein (p.Ala212Gly). This variant is present in population databases (rs775062909, gnomAD 0.0009%). This variant has not been reported in the literature in individuals affected with MSX2-related conditions. ClinVar contains an entry for this variant (Variation ID: 352837). Invitae Evidence Modeling of protein sequence and biophysical properties (such as structural, functional, and spatial information, amino acid conservation, physicochemical variation, residue mobility, and thermodynamic stability) indicates that this missense variant is not expected to disrupt MSX2 protein function with a negative predictive value of 80%. In summary, the available evidence is currently insufficient to determine the role of this variant in disease. Therefore, it has been classified as a Variant of Uncertain Significance.

Ambry Genetics
Classification: Uncertain significance for Inborn genetic diseases. Last evaluated: 2025-01-21. Review status: criteria provided, single submitter. Criteria: Ambry Variant Classification Scheme 2023. Collection method: clinical testing. Allele origin: germline.

Illumina Laboratory Services, Illumina
Classification: Uncertain significance for Parietal foramina 1. Last evaluated: 2018-01-13. Review status: criteria provided, single submitter. Criteria: ICSL Variant Classification Criteria 13 December 2019. Collection method: clinical testing. Allele origin: germline.

Illumina Laboratory Services, Illumina
Classification: Uncertain significance for Craniosynostosis 2. Last evaluated: 2018-01-13. Review status: criteria provided, single submitter. Criteria: ICSL Variant Classification Criteria 13 December 2019. Collection method: clinical testing. Allele origin: germline.

NM_002449.5(MSX2):c.635C>G (p.Ala212Gly)

Gene: MSX2 (msh homeobox 2; plus strand). Cytogenetic location: 5q35.2.
Variant type: single nucleotide variant.
Coding change: c.635C>G on transcript NM_002449.5 (MANE Select); coding-DNA position 635, C replaced by G.
Protein change: p.Ala212Gly; replaces alanine 212 with glycine.
Molecular consequence: missense variant. On other transcripts: 3 prime UTR variant (1).
Genome position (GRCh38, 1-based): chr5:174,729,414, C>G. VCF-style: chr5-174729414-C-G. GRCh37 (hg19) VCF-style: chr5-174156417-C-G.
Other names: c.*259C>G (NM_001363626.2); short protein forms A212G.
Identifiers: ClinVar variation 352837 (VCV000352837.7), dbSNP rs775062909, ClinGen allele CA3565238.
Genomic context (GRCh38, chr5:174,729,414, plus strand): 5'-ACCGAAGGGCCAAGGCGAAAAGACTGCAGGAGGCAGAACTGGAAAAGCTGAAAATGGCTG[C>G]AAAACCTATGCTGCCCTCCAGCTTCAGTCTCCCTTTCCCCATCAGCTCGCCCCTGCAGGC-3'
Protein context (NP_002440.2, residues 202-222): EAELEKLKMA[Ala212Gly]KPMLPSSFSL